The following is an entry in ClinVar:

ClinVar aggregate classification (germline): Likely benign (1 of 4 stars; one submission).

Allele frequency attached by ClinVar (database versions not stated): 1000 Genomes Project 0.00200; gnomAD exomes 0.00233; ExAC 0.00379; gnomAD 0.00393; TOPMed 0.00085; ESP Exome Variant Server 0.00100; 1000 Genomes Project 30x 0.00156.
gnomAD v4.1: 3,973 of 1,609,562 alleles (0.25%); highest among the groups gnomAD compares: Non-Finnish European, 0.17%; 40 homozygotes.

Submissions (3):

CeGaT Center for Human Genetics Tuebingen
Classification: Likely benign. Last evaluated: 2023-02-01. Review status: criteria provided, single submitter. Criteria: CeGaT Center For Human Genetics Tuebingen Variant Classification Criteria Version 2. Collection method: clinical testing. Allele origin: germline. Affected: yes. Observed: 2 variant alleles.
Comment: NAV2: BP4, BP7, BS2

Dr. Peter K. Rogan Lab, Western University
No classification provided (evidence only). Condition: Familial cancer of breast. Review status: no classification provided. Collection method: in vitro. Allele origin: not applicable. Functional consequence: retained intron. Not counted in ClinVar's aggregate classification.

Dr. Peter K. Rogan Lab, Western University
No classification provided (evidence only). Condition: Thyroid cancer, nonmedullary, 1. Review status: no classification provided. Collection method: in vitro. Allele origin: not applicable. Functional consequence: retained intron. Not counted in ClinVar's aggregate classification.

NM_145117.5(NAV2):c.4884A>C (p.Thr1628=)

Gene: NAV2 (neuron navigator 2; plus strand). Cytogenetic location: 11p15.1.
Variant type: single nucleotide variant.
Coding change: c.4884A>C on transcript NM_145117.5 (MANE Select); coding-DNA position 4884, A replaced by C.
Protein change: p.Thr1628=; no amino-acid change (threonine 1628 retained).
Molecular consequence: synonymous variant.
Genome position (GRCh38, 1-based): chr11:20,062,359, A>C. VCF-style: chr11-20062359-A-C. GRCh37 (hg19) VCF-style: chr11-20083905-A-C.
Other names: NC_000011.9:g.20083905A>C; c.4692A>C, p.Thr1564= (NM_001111018.2); c.2076A>C, p.Thr692= (NM_001111019.3); c.5052A>C, p.Thr1684= (NM_001244963.2); c.4884A>C, p.Thr1628= (NM_182964.6).
Identifiers: ClinVar variation 2641682 (VCV002641682.25), dbSNP rs148627074, ClinGen allele CA5918875.
Genomic context (GRCh38, chr11:20,062,359, plus strand): 5'-TTTAATAGTTCATGGATCCTCACTCTCCTTGGTTTCCAGCACATCGTCAGTTTATTCTAC[A>C]GTGAGTATAAATCAATGCTGTGTGGCTGTGATCATGAGAACTGGGGTTCCTTTATCAAAT-3'
Protein context (NP_660093.2, residues 1618-1638): LVSSTSSVYS[Thr1628=]PEEKCQSEIR